The following is an entry in ClinVar:

NM_000435.3(NOTCH3):c.625G>A (p.Gly209Arg)

Gene: NOTCH3 (notch receptor 3; minus strand). Cytogenetic location: 19p13.12.
Variant type: single nucleotide variant.
Coding change: c.625G>A on transcript NM_000435.3 (MANE Select); coding-DNA position 625, G replaced by A.
Protein change: p.Gly209Arg; replaces glycine 209 with arginine.
Molecular consequence: missense variant.
Genome position (GRCh38, 1-based): chr19:15,192,014, C>T on the plus strand (G>A on the coding strand, the complement: NOTCH3 is on the minus strand). VCF-style: chr19-15192014-C-T. GRCh37 (hg19) VCF-style: chr19-15302825-C-T.
Other names: short protein forms G209R.
Identifiers: ClinVar variation 1678053 (VCV001678053.4), dbSNP rs776600631, ClinGen allele CA9263845.

ClinVar aggregate classification (germline): Uncertain significance. Review status: criteria provided, multiple submitters, no conflicts (2 of 4 stars). 2 submissions from 2 submitters: Uncertain significance (2). Last evaluated 2025-05-05.

Allele frequency attached by ClinVar (database versions not stated): gnomAD 0.00001; TOPMed 0.00002; gnomAD exomes 0.00001 and 0.00002; ExAC 0.00004.
gnomAD v4.1: 17 of 1,613,130 alleles (0.0011%); highest among the groups gnomAD compares: East Asian, 0.0022%; no homozygotes.

Submissions (2):

Labcorp Genetics (formerly Invitae), Labcorp
Classification: Uncertain significance. Last evaluated: 2025-05-05. Review status: criteria provided, single submitter. Criteria: Invitae Variant Classification Sherloc (09022015). Collection method: clinical testing. Allele origin: germline.
Comment: This sequence change replaces glycine, which is neutral and non-polar, with arginine, which is basic and polar, at codon 209 of the NOTCH3 protein (p.Gly209Arg). This variant is present in population databases (rs776600631, gnomAD 0.003%). This variant has not been reported in the literature in individuals affected with NOTCH3-related conditions. ClinVar contains an entry for this variant (Variation ID: 1678053). Invitae Evidence Modeling of protein sequence and biophysical properties (such as structural, functional, and spatial information, amino acid conservation, physicochemical variation, residue mobility, and thermodynamic stability) indicates that this missense variant is expected to disrupt NOTCH3 protein function with a positive predictive value of 95%. In summary, the available evidence is currently insufficient to determine the role of this variant in disease. Therefore, it has been classified as a Variant of Uncertain Significance.

AiLife Diagnostics
Classification: Uncertain significance. Last evaluated: 2022-03-25. Review status: criteria provided, single submitter. Criteria: ACMG Guidelines, 2015. Collection method: clinical testing. Allele origin: germline. Affected: yes. Observed: 2 variant alleles.

Literature cited by the submitters: PubMed 32277046 (cited by AiLife Diagnostics).